The following is an entry in ClinVar:

NM_015021.3(ZNF292):c.2172C>T (p.Cys724=)

Gene: ZNF292 (zinc finger protein 292; plus strand). Cytogenetic location: 6q14.3.
Variant type: single nucleotide variant.
Coding change: c.2172C>T on transcript NM_015021.3 (MANE Select); coding-DNA position 2172, C replaced by T.
Protein change: p.Cys724=; no amino-acid change (cysteine 724 retained).
Molecular consequence: synonymous variant.
Genome position (GRCh38, 1-based): chr6:87,255,801, C>T. VCF-style: chr6-87255801-C-T. GRCh37 (hg19) VCF-style: chr6-87965519-C-T.
Other names: c.1752C>T, p.Cys584= (NM_001351444.2).
Identifiers: ClinVar variation 779249 (VCV000779249.36), dbSNP rs41273271, ClinGen allele CA3913927.
Genomic context (GRCh38, chr6:87,255,801, plus strand): 5'-GCATAAAGATAATGAAGACGCCAAGCGCTTTCTTGAAATGCAGAGCAAAAAAGTTATTTG[C>T]CAGTACTGTAGGCGGCATTTTGTGAGTGTTACTCATCTCAATGATCACTTACAGATGCAC-3'
Protein context (NP_055836.1, residues 714-734): FLEMQSKKVI[Cys724=]QYCRRHFVSV

ClinVar aggregate classification (germline): Benign. Review status: criteria provided, multiple submitters, no conflicts (2 of 4 stars). 3 submissions from 3 submitters: Benign (2). 1 of the submissions does not count toward it. Last evaluated 2026-09-01.

Conditions:
ZNF292-related disorder. Also called: ZNF292-related condition.

Allele frequency attached by ClinVar (database versions not stated): 1000 Genomes Project 0.00280; 1000 Genomes Project 30x 0.00328; TOPMed 0.00605; gnomAD 0.00697 and 0.00740; gnomAD exomes 0.00721 and 0.00952; ExAC 0.00723; ESP Exome Variant Server 0.00850.
gnomAD v4.1: 14,937 of 1,613,746 alleles (0.93%); highest among the groups gnomAD compares: Non-Finnish European, 1.1%; 88 homozygotes.

Submissions (3):

CeGaT Center for Human Genetics Tuebingen
Classification: Benign. Last evaluated: 2026-09-01. Review status: criteria provided, single submitter. Criteria: CeGaT Center For Human Genetics Tuebingen Variant Classification Criteria Version 2. Collection method: clinical testing. Allele origin: germline. Affected: yes. Observed: 33 variant alleles.
Comment: ZNF292: BP4, BS1, BS2

Labcorp Genetics (formerly Invitae), Labcorp
Classification: Benign. Last evaluated: 2018-06-29. Review status: criteria provided, single submitter. Criteria: Invitae Variant Classification Sherloc (09022015). Collection method: clinical testing. Allele origin: germline.

PreventionGenetics, part of Exact Sciences
Classification: Benign for ZNF292-related condition. Last evaluated: 2019-05-10. Review status: no assertion criteria provided. Collection method: clinical testing. Allele origin: germline. Not counted in ClinVar's aggregate classification.
Comment: This variant is classified as benign based on ACMG/AMP sequence variant interpretation guidelines (Richards et al. 2015 PMID: 25741868, with internal and published modifications).